The following is an entry in ClinVar:

ClinVar aggregate classification (germline): Benign/Likely benign. Review status: criteria provided, multiple submitters, no conflicts (2 of 4 stars). 6 submissions from 6 submitters: Benign (1); Likely benign (5). Last evaluated 2025-05-09.

Conditions:
Hereditary cancer-predisposing syndrome. Also called: Hereditary Cancer Syndrome; Neoplastic Syndromes, Hereditary; Tumor predisposition; Hereditary neoplastic syndrome. Identifiers: Orphanet 140162, MedGen C0027672, MeSH D009386, MONDO:0015356.
Familial adenomatous polyposis 1 (FAP1). Also called: POLYPOSIS, ADENOMATOUS INTESTINAL; FAMILIAL ADENOMATOUS POLYPOSIS 1, ATTENUATED. Identifiers: MedGen C2713442, MONDO:0021056, OMIM 175100. Disease mechanism: loss of function.
Classic or attenuated familial adenomatous polyposis. Identifiers: MedGen CN372698, MONDO:0021057.

Allele frequency attached by ClinVar (database versions not stated): gnomAD exomes below 0.00001 and 0.00001; ExAC 0.00001.
gnomAD v4.1: 7 of 1,614,172 alleles (0.00043%); highest among the groups gnomAD compares: Non-Finnish European, 0.00059%; no homozygotes.

Submissions (6):

Labcorp Genetics (formerly Invitae), Labcorp
Classification: Likely benign for Familial adenomatous polyposis 1. Last evaluated: 2025-05-09. Review status: criteria provided, single submitter. Criteria: Invitae Variant Classification Sherloc (09022015). Collection method: clinical testing. Allele origin: germline.

Myriad Genetics, Inc.
Classification: Benign for Familial adenomatous polyposis 1. Last evaluated: 2024-03-18. Review status: criteria provided, single submitter. Criteria: Myriad Autosomal Dominant, Autosomal Recessive and X-Linked Classification Criteria (2023). Collection method: clinical testing. Allele origin: unknown.
Comment: This variant is considered benign. This variant is a silent/synonymous amino acid change and it is not expected to impact splicing.

Women's Health and Genetics/Laboratory Corporation of America, LabCorp
Classification: Likely benign. Last evaluated: 2023-12-30. Review status: criteria provided, single submitter. Criteria: LabCorp Variant Classification Summary - May 2015. Collection method: clinical testing. Allele origin: germline.

All of Us Research Program, National Institutes of Health
Classification: Likely benign for Classic or attenuated familial adenomatous polyposis. Last evaluated: 2023-06-26. Review status: criteria provided, single submitter. Criteria: ACMG Guidelines, 2015. Collection method: clinical testing. Allele origin: germline. Inheritance: Autosomal dominant inheritance. Observed: 1 variant allele, 1 heterozygote.
Comment: This study involves interpretation of variants in research participants for the purpose of population health screening. Participant phenotype was not available at the time of variant classification. Additional details can be found in publication PMID: 35346344, PMCID: PMC8962531

Ambry Genetics
Classification: Likely benign for Hereditary cancer-predisposing syndrome. Last evaluated: 2020-07-15. Review status: criteria provided, single submitter. Criteria: Ambry Variant Classification Scheme 2023. Collection method: clinical testing. Allele origin: germline.

Color Diagnostics, LLC DBA Color Health
Classification: Likely benign for Hereditary cancer-predisposing syndrome. Last evaluated: 2017-10-28. Review status: criteria provided, single submitter. Criteria: ACMG Guidelines, 2015. Collection method: clinical testing. Allele origin: germline.

NM_000038.6(APC):c.3151A>C (p.Arg1051=)

Gene: APC (APC regulator of Wnt signaling pathway; plus strand). Cytogenetic location: 5q22.2.
Variant type: single nucleotide variant.
Coding change: c.3151A>C on transcript NM_000038.6 (MANE Select); coding-DNA position 3151, A replaced by C.
Protein change: p.Arg1051=; no amino-acid change (arginine 1051 retained).
Molecular consequence: synonymous variant.
Genome position (GRCh38, 1-based): chr5:112,838,745, A>C. VCF-style: chr5-112838745-A-C. GRCh37 (hg19) VCF-style: chr5-112174442-A-C.
Other names: c.3151A>C, p.Arg1051= (NM_001127510.3, NM_001354895.2); c.3097A>C, p.Arg1033= (NM_001127511.3); c.3205A>C, p.Arg1069= (NM_001354896.2); c.3181A>C, p.Arg1061= (NM_001354897.2); c.3076A>C, p.Arg1026= (NM_001354898.2); c.3067A>C, p.Arg1023= (NM_001354899.2); c.3028A>C, p.Arg1010= (NM_001354900.2); c.2974A>C, p.Arg992= (NM_001354901.2); and 5 more.
Identifiers: ClinVar variation 490256 (VCV000490256.17), dbSNP rs757981620, ClinGen allele CA034487.